The following is an entry in ClinVar:

NC_000016.10:g.(89752223_89758576)_(89767238_89769836)del

Gene: FANCA (FA complementation group A; minus strand). Cytogenetic location: 16q24.3.
Variant type: Deletion.
Identifiers: ClinVar variation 974139 (VCV000974139.1).

ClinVar aggregate classification (germline): Pathogenic (0 of 4 stars; one submission).

Conditions:
Fanconi anemia complementation group A (FANCA). Also called: Fanconi anemia, group A; FANCA-Related Fanconi Anemia. Identifiers: Orphanet 84, MedGen C3469521, MONDO:0009215, OMIM 227650.

Submission:

Leiden Open Variation Database
Classification: Pathogenic for Fanconi anemia complementation group A. Last evaluated: 2020-02-28. Review status: no assertion criteria provided. Collection method: curation. Allele origin: germline. Affected: yes.
Comment: Curator: Arleen D. Auerbach. Submitter to LOVD: Arleen D. Auerbach.